The following is an entry in ClinVar:

ClinVar aggregate classification (germline): Likely benign (0 of 4 stars; one submission).

Conditions:
MYPN-related disorder. Also called: MYPN-related condition.

gnomAD v4.1: 2 of 1,614,186 alleles (0.00012%); highest among the groups gnomAD compares: South Asian, 0.0011%; no homozygotes.

Submission:

PreventionGenetics, part of Exact Sciences
Classification: Likely benign for MYPN-related condition. Last evaluated: 2022-08-07. Review status: no assertion criteria provided. Collection method: clinical testing. Allele origin: germline.
Comment: This variant is classified as likely benign based on ACMG/AMP sequence variant interpretation guidelines (Richards et al. 2015 PMID: 25741868, with internal and published modifications).

NM_032578.4(MYPN):c.87C>T (p.Asn29=)

Gene: MYPN (myopalladin; plus strand). Cytogenetic location: 10q21.3.
Variant type: single nucleotide variant.
Coding change: c.87C>T on transcript NM_032578.4 (MANE Select); coding-DNA position 87, C replaced by T.
Protein change: p.Asn29=; no amino-acid change (asparagine 29 retained).
Molecular consequence: synonymous variant. On other transcripts: 5 prime UTR variant (1), non-coding transcript variant (1).
Genome position (GRCh38, 1-based): chr10:68,121,525, C>T. VCF-style: chr10-68121525-C-T. GRCh37 (hg19) VCF-style: chr10-69881282-C-T.
Other names: c.87C>T, p.Asn29= (NM_001256267.2); c.-1036C>T (NM_001256268.2).
Identifiers: ClinVar variation 3044222 (VCV003044222.2), dbSNP rs756617551, ClinGen allele CA470003507.